The following is an entry in ClinVar:

ClinVar aggregate classification (germline): Uncertain significance (1 of 4 stars; one submission).

Conditions:
Nephronophthisis. Also called: Juvenile Nephronophthisis. Identifiers: Orphanet 655, MedGen C0687120, MONDO:0019005, HP:0000090.

Submission:

Labcorp Genetics (formerly Invitae), Labcorp
Classification: Uncertain significance for Nephronophthisis. Last evaluated: 2025-02-10. Review status: criteria provided, single submitter. Criteria: Invitae Variant Classification Sherloc (09022015). Collection method: clinical testing. Allele origin: germline.
Comment: This sequence change replaces aspartic acid, which is acidic and polar, with asparagine, which is neutral and polar, at codon 1019 of the NPHP4 protein (p.Asp1019Asn). This variant is not present in population databases (gnomAD no frequency). This variant has not been reported in the literature in individuals affected with NPHP4-related conditions. Invitae Evidence Modeling of protein sequence and biophysical properties (such as structural, functional, and spatial information, amino acid conservation, physicochemical variation, residue mobility, and thermodynamic stability) has been performed for this missense variant. However, the output from this modeling did not meet the statistical confidence thresholds required to predict the impact of this variant on NPHP4 protein function. In summary, the available evidence is currently insufficient to determine the role of this variant in disease. Therefore, it has been classified as a Variant of Uncertain Significance.

NM_015102.5(NPHP4):c.3055G>A (p.Asp1019Asn)

Gene: NPHP4 (nephrocystin 4; minus strand). Cytogenetic location: 1p36.31.
Variant type: single nucleotide variant.
Coding change: c.3055G>A on transcript NM_015102.5 (MANE Select); coding-DNA position 3055, G replaced by A.
Protein change: p.Asp1019Asn; replaces aspartic acid 1019 with asparagine.
Molecular consequence: missense variant. On other transcripts: non-coding transcript variant (1).
Genome position (GRCh38, 1-based): chr1:5,874,647, C>T on the plus strand (G>A on the coding strand, the complement: NPHP4 is on the minus strand). VCF-style: chr1-5874647-C-T. GRCh37 (hg19) VCF-style: chr1-5934707-C-T.
Other names: c.1516G>A, p.Asp506Asn (NM_001291593.2); c.1519G>A, p.Asp507Asn (NM_001291594.2); short protein forms D1019N, D506N, D507N.
Identifiers: ClinVar variation 3607305 (VCV003607305.2).